The following is an entry in ClinVar:

NM_004859.4(CLTC):c.4436_4439dup (p.Arg1481fs)

Genes: CLTC (clathrin heavy chain; plus strand), LOC125177523 (Sharpr-MPRA regulatory region 12460; plus strand). Cytogenetic location: 17q23.1.
Variant type: Microsatellite.
Coding change: c.4436_4439dup on transcript NM_004859.4 (MANE Select); coding-DNA positions 4436 to 4439, 4 bases duplicated (CTCT; older notation c.4436_4439dupCTCT).
Protein change: p.Arg1481fs; shifts the reading frame from arginine 1481.
Molecular consequence: frameshift variant.
Genome position (GRCh38, 1-based): chr17:59,685,057-59,685,060, CTCT duplicated. VCF-style (leftmost placement, unchanged base first): chr17-59685056-G-GCTCT. GRCh37 (hg19) VCF-style: chr17-57762417-G-GCTCT.
Other names: c.4448_4451dup, p.Arg1485fs (NM_001288653.2); short protein forms R1481fs, R1485fs.
Identifiers: ClinVar variation 3765713 (VCV003765713.1).

ClinVar aggregate classification (germline): Likely pathogenic (1 of 4 stars; one submission).

Conditions:
Intellectual developmental disorder, autosomal dominant 56. Also called: MENTAL RETARDATION, AUTOSOMAL DOMINANT 56; Intellectual disability, autosomal dominant 56. Identifiers: MedGen C4693389, MONDO:0030922, OMIM 617854.

Submission:

Greenwood Genetic Center Diagnostic Laboratories, Greenwood Genetic Center
Classification: Likely pathogenic for Intellectual developmental disorder, autosomal dominant 56. Last evaluated: 2024-10-17. Review status: criteria provided, single submitter. Criteria: ACMG Guidelines, 2015. Collection method: clinical testing. Allele origin: germline. Affected: yes.
Comment: PVS1, PM2